The following is an entry in ClinVar:

ClinVar aggregate classification (germline): Conflicting classifications of pathogenicity. Review status: criteria provided, conflicting classifications (1 of 4 stars). 6 submissions from 6 submitters: Uncertain significance (5); Likely benign (1). Last evaluated 2024-08-21.

Conditions:
Drash syndrome (DDS). Also called: NEPHROPATHY, WILMS TUMOR, AND GENITAL ANOMALIES; WILMS TUMOR AND PSEUDO- OR TRUE HERMAPHRODITISM. Identifiers: Orphanet 220, MedGen C0950121, MONDO:0008682, OMIM 194080.
Frasier syndrome. Identifiers: Orphanet 347, MedGen C0950122, MeSH D052159, MONDO:0007635, OMIM 136680.
Wilms tumor 1 (WT1). Also called: Wilms tumor, somatic. Identifiers: Orphanet 654, MedGen CN033288, MONDO:0008679, OMIM 194070.
11p partial monosomy syndrome (WAGR). Also called: WAGR Spectrum Disorder; WAGR syndrome; CHROMOSOME 11p13 DELETION SYNDROME; WAGR Complex. Identifiers: Orphanet 893, MedGen C0206115, MONDO:0008681, OMIM 194072.
Aniridia 1 (AN1). Identifiers: Orphanet 250923, MedGen C0344542, MONDO:0024507, OMIM 106210.
Meacham syndrome. Also called: Meacham Winn Culler syndrome. Identifiers: Orphanet 3097, MedGen C1837026, MONDO:0012164, OMIM 608978.
Mesothelioma, malignant (MESOM). Also called: Malignant mesothelioma (disease). Identifiers: Orphanet 50251, MedGen C0345967, MONDO:0006292, OMIM 156240, HP:0100001.
Nephrotic syndrome, type 4 (NPHS4). Also called: Familial mesangial sclerosis; Nephrotic syndrome, early onset with diffuse mesangial sclerosis. Identifiers: Orphanet 656, MedGen C3151568, MONDO:0009733, OMIM 256370.
Inborn genetic diseases. Identifiers: MedGen C0950123, MeSH D030342.

Allele frequency attached by ClinVar (database versions not stated): gnomAD 0.00001; TOPMed 0.00001.

Submissions (6):

Ambry Genetics
Classification: Likely benign for Inborn genetic diseases. Last evaluated: 2024-08-21. Review status: criteria provided, single submitter. Criteria: Ambry Variant Classification Scheme 2023. Collection method: clinical testing. Allele origin: germline.

All of Us Research Program, National Institutes of Health
Classification: Uncertain significance for Wilms tumor 1. Last evaluated: 2024-03-24. Review status: criteria provided, single submitter. Criteria: ACMG Guidelines, 2015. Collection method: clinical testing. Allele origin: germline. Inheritance: Autosomal dominant inheritance. Observed: 5 variant alleles, 5 heterozygotes.
Comment: This missense variant replaces alanine with valine at codon 516 in the WT1 protein. Computational prediction suggests that this variant may not impact protein structure and function (internally defined REVEL score threshold <= 0.5, PMID: 27666373). To our knowledge, functional studies have not been reported for this variant. This variant has not been reported in individuals affected with WT1-related disorders in the literature. This variant has been identified in 4/251422 chromosomes in the general population by the Genome Aggregation Database (gnomAD). The available evidence is insufficient to determine the role of this variant in disease conclusively. Therefore, this variant is classified as a Variant of Uncertain Significance.

This study involves interpretation of variants in research participants for the purpose of population health screening. Participant phenotype was not available at the time of variant classification. Additional details can be found in publication PMID: 35346344, PMCID: PMC8962531

Blueprint Genetics
Classification: Uncertain significance. Last evaluated: 2023-10-30. Review status: criteria provided, single submitter. Criteria: ACMG Guidelines, 2015. Collection method: clinical testing. Allele origin: germline.

GeneDx
Classification: Uncertain significance. Last evaluated: 2022-12-13. Review status: criteria provided, single submitter. Criteria: GeneDx Variant Classification Process June 2021. Collection method: clinical testing. Allele origin: germline. Affected: yes.
Comment: Not observed at significant frequency in large population cohorts (gnomAD); In silico analysis supports that this missense variant does not alter protein structure/function; Has not been previously published as pathogenic or benign to our knowledge

Labcorp Genetics (formerly Invitae), Labcorp
Classification: Uncertain significance for Wilms tumor 1; Drash syndrome; 11p partial monosomy syndrome; Frasier syndrome. Last evaluated: 2022-10-24. Review status: criteria provided, single submitter. Criteria: Invitae Variant Classification Sherloc (09022015). Collection method: clinical testing. Allele origin: germline.
Comment: In summary, the available evidence is currently insufficient to determine the role of this variant in disease. Therefore, it has been classified as a Variant of Uncertain Significance. Advanced modeling of protein sequence and biophysical properties (such as structural, functional, and spatial information, amino acid conservation, physicochemical variation, residue mobility, and thermodynamic stability) performed at Invitae indicates that this missense variant is not expected to disrupt WT1 protein function. ClinVar contains an entry for this variant (Variation ID: 666088). This variant has not been reported in the literature in individuals affected with WT1-related conditions. This variant is present in population databases (rs749266841, gnomAD 0.01%). This sequence change replaces alanine, which is neutral and non-polar, with valine, which is neutral and non-polar, at codon 516 of the WT1 protein (p.Ala516Val).

Fulgent Genetics
Classification: Uncertain significance for Aniridia 1; Frasier syndrome; Mesothelioma, malignant; Wilms tumor 1; 11p partial monosomy syndrome; Drash syndrome; Nephrotic syndrome, type 4; Meacham syndrome. Last evaluated: 2022-01-29. Review status: criteria provided, single submitter. Criteria: ACMG Guidelines, 2015. Collection method: clinical testing. Allele origin: unknown.

NM_024426.6(WT1):c.1562C>T (p.Ala521Val)

Gene: WT1 (WT1 transcription factor; minus strand). Cytogenetic location: 11p13.
Variant type: single nucleotide variant.
Coding change: c.1562C>T on transcript NM_024426.6 (MANE Select); coding-DNA position 1562, C replaced by T.
Protein change: p.Ala521Val; replaces alanine 521 with valine.
Molecular consequence: missense variant. On other transcripts: non-coding transcript variant (1).
Genome position (GRCh38, 1-based): chr11:32,389,065, G>A on the plus strand (C>T on the coding strand, the complement: WT1 is on the minus strand). VCF-style: chr11-32389065-G-A. GRCh37 (hg19) VCF-style: chr11-32410611-G-A.
Other names: c.1502C>T, p.Ala501Val (NM_000378.6); c.902C>T, p.Ala301Val (NM_001198551.2); c.860C>T, p.Ala287Val (NM_001198552.2); c.374C>T, p.Ala125Val (NM_001367854.1); c.1547C>T, p.Ala516Val (NM_001407044.1); c.1511C>T, p.Ala504Val (NM_001407045.1); c.1469C>T, p.Ala490Val (NM_001407046.1); c.1430C>T, p.Ala477Val (NM_001407047.1); and 6 more; short protein forms A125V, A287V, A301V, A518V, A521V, A501V, A463V, A490V.
Identifiers: ClinVar variation 666088 (VCV000666088.13), dbSNP rs749266841, ClinGen allele CA064680.